The following is an entry in ClinVar:

NM_002497.4(NEK2):c.673G>A (p.Ala225Thr)

Gene: NEK2 (NIMA related kinase 2; minus strand). Cytogenetic location: 1q32.3.
Variant type: single nucleotide variant.
Coding change: c.673G>A on transcript NM_002497.4 (MANE Select); coding-DNA position 673, G replaced by A.
Protein change: p.Ala225Thr; replaces alanine 225 with threonine.
Molecular consequence: missense variant.
Genome position (GRCh38, 1-based): chr1:211,670,373, C>T on the plus strand (G>A on the coding strand, the complement: NEK2 is on the minus strand). VCF-style: chr1-211670373-C-T. GRCh37 (hg19) VCF-style: chr1-211843715-C-T.
Other names: c.673G>A, p.Ala225Thr (NM_001204182.2, NM_001204183.2); short protein forms A225T.
Identifiers: ClinVar variation 1478965 (VCV001478965.6), dbSNP rs544218144, ClinGen allele CA1381617.
Genomic context (GRCh38, chr1:211,670,373, plus strand): 5'-TCAATTCATCAGAGTAACGGTATGGAATTCGCCTGAATTTGCCTTCTCTGATTTTCCCAG[C>T]GAGTTCTTTCTGGCTAAAAGCTGTAAATGGAGGCCTAGGGTTAAAAAAGAAGAAGAAGAC-3'
Protein context (NP_002488.1, residues 215-235): PFTAFSQKEL[Ala225Thr]GKIREGKFRR

ClinVar aggregate classification (germline): Uncertain significance (1 of 4 stars; one submission).

Allele frequency attached by ClinVar (database versions not stated): ExAC 0.00002; gnomAD exomes 0.00002; gnomAD 0.00005; 1000 Genomes Project 0.00020; 1000 Genomes Project 30x 0.00031.

Submission:

Labcorp Genetics (formerly Invitae), Labcorp
Classification: Uncertain significance. Last evaluated: 2025-04-17. Review status: criteria provided, single submitter. Criteria: Invitae Variant Classification Sherloc (09022015). Collection method: clinical testing. Allele origin: germline.
Comment: This sequence change replaces alanine, which is neutral and non-polar, with threonine, which is neutral and polar, at codon 225 of the NEK2 protein (p.Ala225Thr). This variant is present in population databases (rs544218144, gnomAD 0.003%). This variant has not been reported in the literature in individuals affected with NEK2-related conditions. ClinVar contains an entry for this variant (Variation ID: 1478965). An algorithm developed to predict the effect of missense changes on protein structure and function (PolyPhen-2) suggests that this variant is likely to be tolerated. In summary, the available evidence is currently insufficient to determine the role of this variant in disease. Therefore, it has been classified as a Variant of Uncertain Significance.